The following is an entry in ClinVar:

ClinVar aggregate classification (germline): Uncertain significance (1 of 4 stars; one submission).

gnomAD v4.1: 2 of 1,614,196 alleles (0.00012%); highest among the groups gnomAD compares: South Asian, 0.0022%; no homozygotes.

Submission:

GeneDx
Classification: Uncertain significance. Last evaluated: 2025-05-27. Review status: criteria provided, single submitter. Criteria: GeneDx Variant Classification Process June 2021. Collection method: clinical testing. Allele origin: germline. Affected: yes.
Comment: Not observed at significant frequency in large population cohorts (gnomAD); In silico analysis suggests that this missense variant does not alter protein structure/function; Has not been previously published as pathogenic or benign to our knowledge

NM_004667.6(HERC2):c.10367A>T (p.Asp3456Val)

Gene: HERC2 (HECT and RLD domain containing E3 ubiquitin protein ligase 2; minus strand). Cytogenetic location: 15q13.1.
Variant type: single nucleotide variant.
Coding change: c.10367A>T on transcript NM_004667.6 (MANE Select); coding-DNA position 10367, A replaced by T.
Protein change: p.Asp3456Val; replaces aspartic acid 3456 with valine.
Molecular consequence: missense variant.
Genome position (GRCh38, 1-based): chr15:28,168,453, T>A on the plus strand (A>T on the coding strand, the complement: HERC2 is on the minus strand). VCF-style: chr15-28168453-T-A. GRCh37 (hg19) VCF-style: chr15-28413599-T-A.
Other names: short protein forms D3456V.
Identifiers: ClinVar variation 4532475 (VCV004532475.1).
Genomic context (GRCh38, chr15:28,168,453, plus strand): 5'-AGATTCGCTTTTACCTCTCTCTTTTCTTGCCATGGATTTGGACTCAGTCTGTCTTCGATA[T>A]CAACAGCCAGCATGCATTCTTCTCCATTCATGGGACTAGCCATCGCAGATGCGTCGGAAG-3'
Protein context (NP_004658.3, residues 3446-3466): MNGEECMLAV[Asp3456Val]IEDRLSPNPW